The following is an entry in ClinVar:

NM_000503.6(EYA1):c.419-10A>G

Gene: EYA1 (EYA transcriptional coactivator and phosphatase 1; minus strand). Cytogenetic location: 8q13.3.
Variant type: single nucleotide variant.
Coding change: c.419-10A>G on transcript NM_000503.6 (MANE Select); 10 bases into the intron before coding-DNA position 419, A replaced by G.
Molecular consequence: intron variant.
Genome position (GRCh38, 1-based): chr8:71,317,699, T>C on the plus strand (A>G on the coding strand, the complement: EYA1 is on the minus strand). VCF-style: chr8-71317699-T-C. GRCh37 (hg19) VCF-style: chr8-72229934-T-C.
Other names: c.503-25A>G (NM_001370336.1); c.506-10A>G (NM_001370333.1); c.419-10A>G (NM_001370335.1, NM_001370334.1, NM_172058.4); c.506-25A>G (NM_172059.5); c.68-25A>G (NM_001288575.2); c.416-25A>G (NM_001288574.2).
Identifiers: ClinVar variation 1310826 (VCV001310826.4), dbSNP rs371502049, ClinGen allele CA179222078.

ClinVar aggregate classification (germline): Uncertain significance. Review status: criteria provided, multiple submitters, no conflicts (2 of 4 stars). 2 submissions from 2 submitters: Uncertain significance (2). Last evaluated 2026-03-27.

Conditions:
Otofaciocervical syndrome 1 (OTFCS). Identifiers: MedGen C3714941, MONDO:0024532, OMIM 166780.
Branchiootic syndrome 1 (BOS1). Also called: BO SYNDROME 1; BRANCHIOOTIC DYSPLASIA. Identifiers: MedGen C1865143, MONDO:0011258, OMIM 602588.
Branchiootorenal syndrome 1. Also called: Branchio-Oto-Renal Syndrome 1. Identifiers: Orphanet 107, MedGen C4551702, MONDO:0007236, OMIM 113650.

Allele frequency attached by ClinVar (database versions not stated): gnomAD exomes below 0.00001 and 0.00001; TOPMed 0.00002; gnomAD 0.00004; ESP Exome Variant Server 0.00008.
gnomAD v4.1: 12 of 1,613,708 alleles (0.00074%); highest among the groups gnomAD compares: African/African-American, 0.0013%; no homozygotes.

Submissions (2):

GeneDx
Classification: Uncertain significance. Last evaluated: 2026-03-27. Review status: criteria provided, single submitter. Criteria: GeneDx Variant Classification Process June 2021. Collection method: clinical testing. Allele origin: germline. Affected: yes.
Comment: In silico analysis supports a deleterious effect on splicing; Has not been previously published as pathogenic or benign to our knowledge

Fulgent Genetics
Classification: Uncertain significance for Branchiootorenal syndrome 1; Otofaciocervical syndrome 1; Branchiootic syndrome 1. Last evaluated: 2024-06-10. Review status: criteria provided, single submitter. Criteria: ACMG Guidelines, 2015. Collection method: clinical testing. Allele origin: germline.